The following is an entry in ClinVar:

NM_003072.5(SMARCA4):c.4497G>C (p.Glu1499Asp)

Gene: SMARCA4 (SWI/SNF related BAF chromatin remodeling complex subunit ATPase 4; plus strand). Cytogenetic location: 19p13.2.
Variant type: single nucleotide variant.
Coding change: c.4497G>C on transcript NM_003072.5 (MANE Select); coding-DNA position 4497, G replaced by C.
Protein change: p.Glu1499Asp; replaces glutamic acid 1499 with aspartic acid.
Molecular consequence: missense variant. On other transcripts: non-coding transcript variant (1).
Genome position (GRCh38, 1-based): chr19:11,058,327, G>C. VCF-style: chr19-11058327-G-C. GRCh37 (hg19) VCF-style: chr19-11169003-G-C.
Other names: c.4497G>C, p.Glu1499Asp (NM_001128844.3); c.4407G>C, p.Glu1469Asp (NM_001128845.2); c.4404G>C, p.Glu1468Asp (NM_001128846.2); c.4398G>C, p.Glu1466Asp (NM_001128847.4, NM_001374457.1); c.4395G>C, p.Glu1465Asp (NM_001128848.2); c.4593G>C, p.Glu1531Asp (NM_001128849.3, NM_001387283.1); short protein forms E1469D, E1531D, E1466D, E1465D, E1468D, E1499D.
Identifiers: ClinVar variation 647361 (VCV000647361.12), dbSNP rs1264821826, ClinGen allele CA404077765.
Genomic context (GRCh38, chr19:11,058,327, plus strand): 5'-TCAGCTCAGCGAGGTCTTCATCCAGCTGCCCTCGCGAAAGGAGCTGCCCGAGTACTACGA[G>C]CTCATCCGCAAGCCCGTGGACTTCAAGAAGATAAAGGTAACCCTGACGTTGTACCTGCGC-3'
Protein context (NP_003063.2, residues 1489-1509): PSRKELPEYY[Glu1499Asp]LIRKPVDFKK

ClinVar aggregate classification (germline): Conflicting classifications of pathogenicity. Review status: criteria provided, conflicting classifications (1 of 4 stars). 2 submissions from 2 submitters: Uncertain significance (1); Likely benign (1). Last evaluated 2025-06-05.

Conditions:
Rhabdoid tumor predisposition syndrome 2 (RTPS2). Identifiers: Orphanet 231108, Orphanet 69077, MedGen C2750074, MONDO:0013224, OMIM 613325.
Hereditary cancer-predisposing syndrome. Also called: Hereditary Cancer Syndrome; Tumor predisposition; Hereditary neoplastic syndrome; Neoplastic Syndromes, Hereditary. Identifiers: Orphanet 140162, MedGen C0027672, MeSH D009386, MONDO:0015356.

Allele frequency attached by ClinVar (database versions not stated): TOPMed below 0.00001; gnomAD 0.00001.
gnomAD v4.1: 5 of 1,613,378 alleles (0.00031%); highest among the groups gnomAD compares: African/African-American, 0.0013%; no homozygotes.

Submissions (2):

Labcorp Genetics (formerly Invitae), Labcorp
Classification: Uncertain significance for Rhabdoid tumor predisposition syndrome 2. Last evaluated: 2025-06-05. Review status: criteria provided, single submitter. Criteria: Invitae Variant Classification Sherloc (09022015). Collection method: clinical testing. Allele origin: germline.
Comment: This sequence change replaces glutamic acid, which is acidic and polar, with aspartic acid, which is acidic and polar, at codon 1531 of the SMARCA4 protein (p.Glu1531Asp). This variant is not present in population databases (gnomAD no frequency). This variant has not been reported in the literature in individuals affected with SMARCA4-related conditions. ClinVar contains an entry for this variant (Variation ID: 647361). Invitae Evidence Modeling of protein sequence and biophysical properties (such as structural, functional, and spatial information, amino acid conservation, physicochemical variation, residue mobility, and thermodynamic stability) indicates that this missense variant is not expected to disrupt SMARCA4 protein function with a negative predictive value of 95%. In summary, the available evidence is currently insufficient to determine the role of this variant in disease. Therefore, it has been classified as a Variant of Uncertain Significance.

Ambry Genetics
Classification: Likely benign for Hereditary cancer-predisposing syndrome. Last evaluated: 2023-03-13. Review status: criteria provided, single submitter. Criteria: Ambry Variant Classification Scheme 2023. Collection method: clinical testing. Allele origin: germline.